The following is an entry in ClinVar:

NM_002691.4(POLD1):c.-1-7C>T

Gene: POLD1 (DNA polymerase delta 1, catalytic subunit; plus strand). Cytogenetic location: 19q13.33.
Variant type: single nucleotide variant.
Coding change: c.-1-7C>T on transcript NM_002691.4 (MANE Select); 7 bases into the intron before 1 bases upstream of the start codon, C replaced by T.
Molecular consequence: intron variant.
Genome position (GRCh38, 1-based): chr19:50,398,844, C>T. VCF-style: chr19-50398844-C-T. GRCh37 (hg19) VCF-style: chr19-50902101-C-T.
Other names: c.-4-4C>T (LRG_785t1, NM_001256849.1).
Identifiers: ClinVar variation 391008 (VCV000391008.1), dbSNP rs1057523942, ClinGen allele CA16607892.
Genomic context (GRCh38, chr19:50,398,844, plus strand): 5'-TGCCATGGAGACAGGGTAAGAGGTGTCTCCGGTCAGAACCTCCACCAAGCTCCAACTTGC[C>T]CAGCAGGATGGATGGCAAGCGGCGGCCAGGCCCAGGGCCCGGGGTGCCCCCAAAGCGGGC-3'

ClinVar aggregate classification (germline): Likely benign (1 of 4 stars; one submission).

Allele frequency attached by ClinVar (database versions not stated): gnomAD exomes below 0.00001; gnomAD 0.00001; TOPMed 0.00001.
gnomAD v4.1: 3 of 1,607,624 alleles (0.00019%); highest among the groups gnomAD compares: African/African-American, 0.0013%; no homozygotes.

Submission:

GeneDx
Classification: Likely benign. Last evaluated: 2016-11-22. Review status: criteria provided, single submitter. Criteria: GeneDx Variant Classification (06012015). Collection method: clinical testing. Allele origin: germline. Affected: yes.
Comment: This variant is considered likely benign or benign based on one or more of the following criteria: it is a conservative change, it occurs at a poorly conserved position in the protein, it is predicted to be benign by multiple in silico algorithms, and/or has population frequency not consistent with disease.